The following is an entry in ClinVar:

NM_004655.4(AXIN2):c.1187A>C (p.Gln396Pro)

Gene: AXIN2 (axin 2; minus strand). Cytogenetic location: 17q24.1.
Variant type: single nucleotide variant.
Coding change: c.1187A>C on transcript NM_004655.4 (MANE Select); coding-DNA position 1187, A replaced by C.
Protein change: p.Gln396Pro; replaces glutamine 396 with proline.
Molecular consequence: missense variant.
Genome position (GRCh38, 1-based): chr17:65,538,216, T>G on the plus strand (A>C on the coding strand, the complement: AXIN2 is on the minus strand). VCF-style: chr17-65538216-T-G. GRCh37 (hg19) VCF-style: chr17-63534334-T-G.
Other names: c.1187A>C, p.Gln396Pro (NM_001363813.1); short protein forms Q396P.
Identifiers: ClinVar variation 2586356 (VCV002586356.2), dbSNP rs914102463, ClinGen allele CA400678161.
Genomic context (GRCh38, chr17:65,538,216, plus strand): 5'-CGCTCACGCCGTGGACGGAAGCAGGAAGAAGGCCTAGGCCGCATTACCTCTCGGATCTGC[T>G]GCAGGCGCTCCTCCAGGCTGTGGCGGCTCTCCAACTCCAGCTTCAGCTTTTCCAGCCTCG-3'
Protein context (NP_004646.3, residues 386-406): ESRHSLEERL[Gln396Pro]QIREDEEREG

ClinVar aggregate classification (germline): Uncertain significance (1 of 4 stars; one submission).

Conditions:
Hereditary cancer-predisposing syndrome. Also called: Hereditary neoplastic syndrome; Tumor predisposition; Hereditary Cancer Syndrome; Neoplastic Syndromes, Hereditary. Identifiers: Orphanet 140162, MedGen C0027672, MeSH D009386, MONDO:0015356.

Submission:

Ambry Genetics
Classification: Uncertain significance for Hereditary cancer-predisposing syndrome. Last evaluated: 2023-06-28. Review status: criteria provided, single submitter. Criteria: Ambry Variant Classification Scheme 2023. Collection method: clinical testing. Allele origin: germline.
Comment: The p.Q396P variant (also known as c.1187A>C), located in coding exon 4 of the AXIN2 gene, results from an A to C substitution at nucleotide position 1187. The glutamine at codon 396 is replaced by proline, an amino acid with similar properties. This amino acid position is conserved. In addition, the in silico prediction for this alteration is inconclusive. Since supporting evidence is limited at this time, the clinical significance of this alteration remains unclear.